The following is an entry in ClinVar:

NM_024301.5(FKRP):c.103C>T (p.Arg35Trp)

Gene: FKRP (fukutin related protein; plus strand). Cytogenetic location: 19q13.32.
Variant type: single nucleotide variant.
Coding change: c.103C>T on transcript NM_024301.5 (MANE Select); coding-DNA position 103, C replaced by T.
Protein change: p.Arg35Trp; replaces arginine 35 with tryptophan.
Molecular consequence: missense variant.
Genome position (GRCh38, 1-based): chr19:46,755,553, C>T. VCF-style: chr19-46755553-C-T. GRCh37 (hg19) VCF-style: chr19-47258810-C-T.
Other names: c.103C>T, p.Arg35Trp (NM_001039885.3); short protein forms R35W.
Identifiers: ClinVar variation 1434932 (VCV001434932.3), dbSNP rs1157545139, ClinGen allele CA406494675.
Genomic context (GRCh38, chr19:46,755,553, plus strand): 5'-ACCCTCAACCTTCTGGTCCTCTTCTATGTCTCGTGGCTGCAGCACCAGCCTAGGAATTCC[C>T]GGGCCCGGGGGCCCCGTCGTGCCTCTGCTGCCGGCCCCCGTGTCACCGTCCTGGTGCGGG-3'
Protein context (NP_077277.1, residues 25-45): SWLQHQPRNS[Arg35Trp]ARGPRRASAA

ClinVar aggregate classification (germline): Uncertain significance (1 of 4 stars; one submission).

Conditions:
Walker-Warburg congenital muscular dystrophy. Also called: Muscular dystrophy-dystroglycanopathy, type A; Walker-Warburg syndrome. Identifiers: Orphanet 899, MedGen C0265221, MONDO:0000171.

Allele frequency attached by ClinVar (database versions not stated): gnomAD exomes below 0.00001; TOPMed below 0.00001.
gnomAD v4.1: 3 of 1,607,356 alleles (0.00019%); highest among the groups gnomAD compares: Non-Finnish European, 0.00025%; no homozygotes.

Submission:

Labcorp Genetics (formerly Invitae), Labcorp
Classification: Uncertain significance for Walker-Warburg congenital muscular dystrophy. Last evaluated: 2022-06-12. Review status: criteria provided, single submitter. Criteria: Invitae Variant Classification Sherloc (09022015). Collection method: clinical testing. Allele origin: germline.
Comment: This sequence change replaces arginine, which is basic and polar, with tryptophan, which is neutral and slightly polar, at codon 35 of the FKRP protein (p.Arg35Trp). This variant is not present in population databases (gnomAD no frequency). This variant has not been reported in the literature in individuals affected with FKRP-related conditions. Algorithms developed to predict the effect of missense changes on protein structure and function are either unavailable or do not agree on the potential impact of this missense change (SIFT: "Deleterious"; PolyPhen-2: "Possibly Damaging"; Align-GVGD: "Class C0"). In summary, the available evidence is currently insufficient to determine the role of this variant in disease. Therefore, it has been classified as a Variant of Uncertain Significance.